The following is an entry in ClinVar:

NM_000053.4(ATP7B):c.2989G>A (p.Val997Met)

Gene: ATP7B (ATPase copper transporting beta; minus strand). Cytogenetic location: 13q14.3.
Variant type: single nucleotide variant.
Coding change: c.2989G>A on transcript NM_000053.4 (MANE Select); coding-DNA position 2989, G replaced by A.
Protein change: p.Val997Met; replaces valine 997 with methionine.
Molecular consequence: missense variant.
Genome position (GRCh38, 1-based): chr13:51,946,355, C>T on the plus strand (G>A on the coding strand, the complement: ATP7B is on the minus strand). VCF-style: chr13-51946355-C-T. GRCh37 (hg19) VCF-style: chr13-52520491-C-T.
Other names: c.2368G>A, p.Val790Met (NM_001005918.3); c.2656G>A, p.Val886Met (NM_001243182.2); c.2755G>A, p.Val919Met (NM_001330578.2); c.2737G>A, p.Val913Met (NM_001330579.2); short protein forms V997M, V886M, V790M, V913M, V919M.
Identifiers: ClinVar variation 591446 (VCV000591446.2), dbSNP rs1566485134, ClinGen allele CA388032133.

ClinVar aggregate classification (germline): Uncertain significance. Review status: criteria provided, single submitter (1 of 4 stars). 2 submissions from 2 submitters: Uncertain significance (1). 1 of the submissions does not count toward it. Last evaluated 2023-03-23.

Conditions:
Wilson disease (WND). Also called: Wilson's disease. Identifiers: Orphanet 905, MedGen C0019202, MONDO:0010200, OMIM 277900. Disease mechanism: loss of function.

Submissions (2):

All of Us Research Program, National Institutes of Health
Classification: Uncertain significance for Wilson disease. Last evaluated: 2023-03-23. Review status: criteria provided, single submitter. Criteria: ACMG Guidelines, 2015. Collection method: clinical testing. Allele origin: germline. Inheritance: Autosomal recessive inheritance. Observed: 1 variant allele, 1 heterozygote.
Comment: This study involves interpretation of variants in research participants for the purpose of population health screening. Participant phenotype was not available at the time of variant classification. Additional details can be found in publication PMID: 35346344, PMCID: PMC8962531

Gharavi Laboratory, Columbia University
Classification: Uncertain significance. Last evaluated: 2018-09-16. Review status: no assertion criteria provided. Criteria: ACMG Guidelines, 2015. Collection method: research. Allele origin: germline. Affected: yes. Not counted in ClinVar's aggregate classification.